The following is an entry in ClinVar:

ClinVar aggregate classification (germline): Conflicting classifications of pathogenicity. Review status: criteria provided, conflicting classifications (1 of 4 stars). 10 submissions from 9 submitters: Uncertain significance (5); Benign (1); Likely benign (3). 1 of the submissions does not count toward it. Last evaluated 2026-09-11.

Conditions:
Macrothrombocytopenia and granulocyte inclusions with or without nephritis or sensorineural hearing loss (MATINS). Also called: DOHLE LEUKOCYTE INCLUSIONS WITH GIANT PLATELETS; BLEEDING DISORDER, PLATELET-TYPE, 6; MAY-HEGGLIN ANOMALY; MACROTHROMBOCYTOPENIA WITH LEUKOCYTE INCLUSIONS; SEBASTIAN PLATELET SYNDROME; MACROTHROMBOCYTOPENIA WITH DISPERSED LEUKOCYTIC INCLUSIONS. Identifiers: Orphanet 182050, MedGen C5200934, MONDO:0015912, OMIM 155100.
MYH9-related disorder. Identifiers: MedGen C1854520.
Autosomal dominant nonsyndromic hearing loss 17. Also called: Deafness, autosomal dominant 17; Autosomal dominant nonsyndromic deafness 17. Identifiers: Orphanet 90635, MedGen C1863659, MONDO:0011350, OMIM 603622.
Macrothrombocytopenia. Identifiers: MedGen C2751260, HP:0040185.

Allele frequency attached by ClinVar (database versions not stated): ExAC 0.00002; gnomAD exomes 0.00004 and 0.00019; gnomAD 0.00007; TOPMed 0.00007.
gnomAD v4.1: 282 of 1,610,134 alleles (0.018%); highest among the groups gnomAD compares: Non-Finnish European, 0.023%; no homozygotes.

Submissions (10):

GeneDx
Classification: Uncertain significance. Last evaluated: 2026-09-11. Review status: criteria provided, single submitter. Criteria: GeneDx Variant Classification Process June 2021. Collection method: clinical testing. Allele origin: germline.
Comment: Identified in a patient with macrothrombocytopenia in published literature; other features of MYH9-related disease were not reported (PMID: 30349881); Identified in a patient with a bleeding, thrombotic, or platelet disorder in published literature, however, detailed clinical information was not provided (PMID: 31064749); In silico analysis suggests that this missense variant does not alter protein structure/function; This variant is associated with the following publications: (PMID: 30349881, 34355501, 31064749)

Women's Health and Genetics/Laboratory Corporation of America, LabCorp
Classification: Likely benign. Last evaluated: 2026-06-25. Review status: criteria provided, single submitter. Criteria: LabCorp Variant Classification Summary - May 2015. Collection method: clinical testing. Allele origin: germline.
Comment: Variant summary: MYH9 c.5074G>A (p.Ala1692Thr) results in a non-conservative amino acid change in the encoded protein sequence. Algorithms developed to predict the effect of missense changes on protein structure and function are either unavailable or do not agree on the potential impact of this missense change. This frequency is not significantly higher than estimated for disease-causing variants in MYH9, allowing no conclusion about variant significance. c.5074G>A has been observed in heterozygous individuals with suspected inherited platelet-count disorders (e.g. Johnson_2018). However, the available reports provide limited evidence for causality. To our knowledge, no experimental evidence demonstrating an impact on protein function has been reported. The following publication have been ascertained in the context of this evaluation (PMID: 30349881). ClinVar contains an entry for this variant (Variation ID: 627083). Based on the evidence outlined above, the variant was classified as likely benign.

Labcorp Genetics (formerly Invitae), Labcorp
Classification: Likely benign. Last evaluated: 2025-07-31. Review status: criteria provided, single submitter. Criteria: Invitae Variant Classification Sherloc (09022015). Collection method: clinical testing. Allele origin: germline.

ARUP Laboratories, Molecular Genetics and Genomics, ARUP Laboratories
Classification: Uncertain significance. Last evaluated: 2024-11-15. Review status: criteria provided, single submitter. Criteria: ARUP Molecular Germline Variant Investigation Process 2024. Collection method: clinical testing. Allele origin: germline.
Comment: The MYH9 c.5074G>A; p.Ala1692Thr variant (rs767426084, ClinVar Variation ID: 627083) is reported in the literature in an individual included in a platelet count disorders cohort (Downes 2019). This variant is found in the general population with an overall allele frequency of 0.005% (14/276,168 alleles) in the Genome Aggregation Database (v2.1.1). Computational analyses are uncertain whether this variant is neutral or deleterious (REVEL: 0.42). Due to limited information, the clinical significance of this variant is uncertain at this time. References: Downes K et al. Diagnostic high-throughput sequencing of 2396 patients with bleeding, thrombotic, and platelet disorders. Blood. 2019 Dec 5;134(23):2082-2091. PMID: 31064749.

Fulgent Genetics
Classification: Likely benign for Macrothrombocytopenia and granulocyte inclusions with or without nephritis or sensorineural hearing loss; Autosomal dominant nonsyndromic hearing loss 17. Last evaluated: 2024-06-19. Review status: criteria provided, single submitter. Criteria: ACMG Guidelines, 2015. Collection method: clinical testing. Allele origin: germline.

PreventionGenetics, part of Exact Sciences
Classification: Uncertain significance for MYH9-related condition. Last evaluated: 2022-12-20. Review status: criteria provided, single submitter. Criteria: ACMG Guidelines, 2015. Collection method: clinical testing. Allele origin: germline.
Comment: The MYH9 c.5074G>A variant is predicted to result in the amino acid substitution p.Ala1692Thr. This variant was reported as a variant of uncertain significance in an individual categorized as having a platelet count disorder (Supp. Table 3 TGP0566, Downes et al 2019. PubMed ID: 31064749). This variant is reported in 0.0086% of alleles in individuals of European (Non-Finnish) descent in gnomAD. At this time, the clinical significance of this variant is uncertain due to the absence of conclusive functional and genetic evidence.

NIHR Bioresource Rare Diseases, University of Cambridge
Classification: Uncertain significance for Macrothrombocytopenia. Last evaluated: 2019-02-01. Review status: criteria provided, single submitter. Criteria: ACMG Guidelines, 2015. Collection method: research. Allele origin: unknown. Affected: yes. Observed: 1 heterozygote. Study: ThromboGenomics.

Illumina Laboratory Services, Illumina
Classification: Benign for MYH9-related disorder. Last evaluated: 2018-01-13. Review status: criteria provided, single submitter. Criteria: ICSL Variant Classification Criteria 13 December 2019. Collection method: clinical testing. Allele origin: germline.
Comment: This variant was observed in the ICSL laboratory as part of a predisposition screen in an ostensibly healthy population. It had not been previously curated by ICSL or reported in the Human Gene Mutation Database (HGMD: prior to June 1st, 2018), and was therefore a candidate for classification through an automated scoring system. Utilizing variant allele frequency, disease prevalence and penetrance estimates, and inheritance mode, an automated score was calculated to assess if this variant is too frequent to cause the disease. Based on the score and internal cut-off values, a variant classified as benign is not then subjected to further curation. The score for this variant resulted in a classification of benign for this disease.

Illumina Laboratory Services, Illumina
Classification: Uncertain significance for Autosomal dominant nonsyndromic hearing loss 17. Last evaluated: 2018-01-13. Review status: criteria provided, single submitter. Criteria: ICSL Variant Classification Criteria 13 December 2019. Collection method: clinical testing. Allele origin: germline.

ISTH-SSC Genomics in Thrombosis and Hemostasis, KU Leuven, Center for Molecular and Vascular Biology
Classification: Uncertain significance for Macrothrombocytopenia and granulocyte inclusions with or without nephritis or sensorineural hearing loss. Review status: no assertion criteria provided. Collection method: research. Allele origin: unknown. Affected: yes. Not counted in ClinVar's aggregate classification.
Comment: Submitted to GoldVariant by Neil Morgan from Birmingham Platelet Group, Birmingham, UK

Literature cited by the submitters: PubMed 30349881 (cited by Women's Health and Genetics/Laboratory Corporation of America, LabCorp); PubMed 31064749 (cited by NIHR Bioresource Rare Diseases, University of Cambridge).

NM_002473.6(MYH9):c.5074G>A (p.Ala1692Thr)

Gene: MYH9 (myosin heavy chain 9; minus strand). Cytogenetic location: 22q12.3.
Variant type: single nucleotide variant.
Coding change: c.5074G>A on transcript NM_002473.6 (MANE Select); coding-DNA position 5074, G replaced by A.
Protein change: p.Ala1692Thr; replaces alanine 1692 with threonine.
Molecular consequence: missense variant.
Genome position (GRCh38, 1-based): chr22:36,285,941, C>T on the plus strand (G>A on the coding strand, the complement: MYH9 is on the minus strand). VCF-style: chr22-36285941-C-T. GRCh37 (hg19) VCF-style: chr22-36681987-C-T.
Other names: short protein forms A1692T.
Identifiers: ClinVar variation 627083 (VCV000627083.17), dbSNP rs767426084, ClinGen allele CA10209181.